The following is an entry in ClinVar:

NM_006431.3(CCT2):c.122G>T (p.Ser41Ile)

Gene: CCT2 (chaperonin containing TCP1 subunit 2; plus strand). Cytogenetic location: 12q15.
Variant type: single nucleotide variant.
Coding change: c.122G>T on transcript NM_006431.3 (MANE Select); coding-DNA position 122, G replaced by T.
Protein change: p.Ser41Ile; replaces serine 41 with isoleucine.
Molecular consequence: missense variant. On other transcripts: 5 prime UTR variant (1).
Genome position (GRCh38, 1-based): chr12:69,586,796, G>T. VCF-style: chr12-69586796-G-T. GRCh37 (hg19) VCF-style: chr12-69980576-G-T.
Other names: c.-20G>T (NM_001198842.2); short protein forms S41I.
Identifiers: ClinVar variation 2767996 (VCV002767996.3), dbSNP rs1478774811, ClinGen allele CA385723047.

ClinVar aggregate classification (germline): Uncertain significance (1 of 4 stars; one submission).

Submission:

Labcorp Genetics (formerly Invitae), Labcorp
Classification: Uncertain significance. Last evaluated: 2023-10-13. Review status: criteria provided, single submitter. Criteria: Invitae Variant Classification Sherloc (09022015). Collection method: clinical testing. Allele origin: germline.
Comment: This sequence change replaces serine, which is neutral and polar, with isoleucine, which is neutral and non-polar, at codon 41 of the CCT2 protein (p.Ser41Ile). This variant is not present in population databases (gnomAD no frequency). This variant has not been reported in the literature in individuals affected with CCT2-related conditions. An algorithm developed to predict the effect of missense changes on protein structure and function (PolyPhen-2) suggests that this variant is likely to be disruptive. In summary, the available evidence is currently insufficient to determine the role of this variant in disease. Therefore, it has been classified as a Variant of Uncertain Significance.